The following is an entry in ClinVar:

ClinVar aggregate classification (germline): Uncertain significance. Review status: criteria provided, single submitter (1 of 4 stars). 2 submissions from 2 submitters: Uncertain significance (1). 1 of the submissions does not count toward it. Last evaluated 2025-01-03.

Conditions:
DEPDC5-related disorder. Also called: DEPDC5-related condition; DEPDC5-related related disorder.

Submissions (2):

GeneDx
Classification: Uncertain significance. Last evaluated: 2025-01-03. Review status: criteria provided, single submitter. Criteria: GeneDx Variant Classification Process June 2021. Collection method: clinical testing. Allele origin: germline. Affected: yes.
Comment: Not observed at significant frequency in large population cohorts (gnomAD); In silico analysis indicates that this missense variant does not alter protein structure/function; Has not been previously published as pathogenic or benign to our knowledge

PreventionGenetics, part of Exact Sciences
Classification: Uncertain significance for DEPDC5-related condition. Last evaluated: 2024-04-19. Review status: no assertion criteria provided. Collection method: clinical testing. Allele origin: germline. Not counted in ClinVar's aggregate classification.
Comment: The DEPDC5 c.3164G>T variant is predicted to result in the amino acid substitution p.Gly1055Val. To our knowledge, this variant has not been reported in the literature or in a large population database, indicating this variant is rare. At this time, the clinical significance of this variant is uncertain due to the absence of conclusive functional and genetic evidence.

NM_001242896.3(DEPDC5):c.3164G>T (p.Gly1055Val)

Gene: DEPDC5 (DEP domain containing 5, GATOR1 subcomplex subunit; plus strand). Cytogenetic location: 22q12.3.
Variant type: single nucleotide variant.
Coding change: c.3164G>T on transcript NM_001242896.3 (MANE Select); coding-DNA position 3164, G replaced by T.
Protein change: p.Gly1055Val; replaces glycine 1055 with valine.
Molecular consequence: missense variant. On other transcripts: non-coding transcript variant (5).
Genome position (GRCh38, 1-based): chr22:31,857,453, G>T. VCF-style: chr22-31857453-G-T. GRCh37 (hg19) VCF-style: chr22-32253439-G-T.
Other names: c.3137G>T, p.Gly1046Val (NM_001136029.4, NM_001369903.1, NM_014662.6); c.2930G>T, p.Gly977Val (NM_001242897.2, NM_001363854.2, NM_001364319.2); c.3164G>T, p.Gly1055Val (NM_001363852.2, NM_001364318.2, NM_001364320.2); c.3080G>T, p.Gly1027Val (NM_001369901.1, NM_001369902.1); short protein forms G1027V, G1046V, G1055V, G977V.
Identifiers: ClinVar variation 3345403 (VCV003345403.2).
Genomic context (GRCh38, chr22:31,857,453, plus strand): 5'-TTCACCAGGGAGCTCTGAGCAAGCTGCTGTCATGTGCTTTTCCTCCTTTCAGGTGCCTGG[G>T]AGAACAGCAGGCAGCTGTGCATGGTGGGAAGAGCTCCGCCCAGTCAGCCGAGAGCAGCAG-3'
Protein context (NP_001229825.1, residues 1045-1065): LEMEASQKCL[Gly1055Val]EQQAAVHGGK